The following is an entry in ClinVar:

ClinVar aggregate classification (germline): Uncertain significance (1 of 4 stars; one submission).

gnomAD v4.1: 3 of 1,395,958 alleles (0.00021%); highest among the groups gnomAD compares: Middle Eastern, 0.025%; no homozygotes.

Submission:

Ambry Genetics
Classification: Uncertain significance. Last evaluated: 2026-08-24. Review status: criteria provided, single submitter. Criteria: Ambry Variant Classification Scheme 2023. Collection method: clinical testing. Allele origin: germline.
Comment: The p.P15T variant (also known as c.43C>A), located in coding exon 1 of the ATRIP gene, results from a C to A substitution at nucleotide position 43. The proline at codon 15 is replaced by threonine, an amino acid with highly similar properties. This amino acid position is conserved. In addition, this alteration is predicted to be tolerated by in silico analysis. Based on the available evidence, the clinical significance of this variant remains unclear.

NM_130384.3(ATRIP):c.43C>A (p.Pro15Thr)

Genes: ATRIP (ATR interacting protein; plus strand), ATRIP-TREX1 (ATRIP-TREX1 readthrough; plus strand), LOC129936703 (ATAC-STARR-seq lymphoblastoid silent region 14331; plus strand). Cytogenetic location: 3p21.31.
Variant type: single nucleotide variant.
Coding change: c.43C>A on transcript NM_130384.3 (MANE Select); coding-DNA position 43, C replaced by A.
Protein change: p.Pro15Thr; replaces proline 15 with threonine.
Molecular consequence: missense variant. On other transcripts: non-coding transcript variant (1), intron variant (1).
Genome position (GRCh38, 1-based): chr3:48,446,888, C>A. VCF-style: chr3-48446888-C-A. GRCh37 (hg19) VCF-style: chr3-48488292-C-A.
Other names: c.43C>A, p.Pro15Thr (NM_032166.4); c.-218+89C>A (NM_001271022.2); short protein forms P15T.
Identifiers: ClinVar variation 5032470 (VCV005032470.1).